The following is an entry in ClinVar:

NM_006261.5(PROP1):c.551C>A (p.Ala184Asp)

Gene: PROP1 (PROP paired-like homeobox 1; minus strand). Cytogenetic location: 5q35.3.
Variant type: single nucleotide variant.
Coding change: c.551C>A on transcript NM_006261.5 (MANE Select); coding-DNA position 551, C replaced by A.
Protein change: p.Ala184Asp; replaces alanine 184 with aspartic acid.
Molecular consequence: missense variant.
Genome position (GRCh38, 1-based): chr5:177,992,839, G>T on the plus strand (C>A on the coding strand, the complement: PROP1 is on the minus strand). VCF-style: chr5-177992839-G-T. GRCh37 (hg19) VCF-style: chr5-177419840-G-T.
Other names: short protein forms A184D.
Identifiers: ClinVar variation 4526291 (VCV004526291.1).
Genomic context (GRCh38, chr5:177,992,839, plus strand): 5'-CCGGCAGGGGCTGGGTGCAAGGTAGGGTACCAGTCCTCAGACTGGTGTGACAAAGCAAAG[G>T]CGCCTCCTGTGGAGGGCTGGGAAGGGAGGGCATGGCTGTAGGGGTGAGGGAAGCAGGTCA-3'
Protein context (NP_006252.4, residues 174-194): ALPSQPSTGG[Ala184Asp]FALSHQSEDW

ClinVar aggregate classification (germline): Uncertain significance (1 of 4 stars; one submission).

Submission:

Women's Health and Genetics/Laboratory Corporation of America, LabCorp
Classification: Uncertain significance. Last evaluated: 2025-07-22. Review status: criteria provided, single submitter. Criteria: LabCorp Variant Classification Summary - May 2015. Collection method: clinical testing. Allele origin: germline.
Comment: Variant summary: PROP1 c.551C>A (p.Ala184Asp) results in a non-conservative amino acid change in the encoded protein sequence. Algorithms developed to predict the effect of missense changes on protein structure and function are either unavailable or do not agree on the potential impact of this missense change. The variant was absent in 249674 control chromosomes. The available data on variant occurrences in the general population are insufficient to allow any conclusion about variant significance. To our knowledge, no occurrence of c.551C>A in individuals affected with Combined Pituitary Hormone Deficiency and no experimental evidence demonstrating its impact on protein function have been reported. No submitters have cited clinical-significance assessments for this variant to ClinVar. Based on the evidence outlined above, the variant was classified as uncertain significance.